The following is an entry in ClinVar:

NM_003072.5(SMARCA4):c.3805G>C (p.Ala1269Pro)

Gene: SMARCA4 (SWI/SNF related BAF chromatin remodeling complex subunit ATPase 4; plus strand). Cytogenetic location: 19p13.2.
Variant type: single nucleotide variant.
Coding change: c.3805G>C on transcript NM_003072.5 (MANE Select); coding-DNA position 3805, G replaced by C.
Protein change: p.Ala1269Pro; replaces alanine 1269 with proline.
Molecular consequence: missense variant. On other transcripts: intron variant (6).
Genome position (GRCh38, 1-based): chr19:11,033,797, G>C. VCF-style: chr19-11033797-G-C. GRCh37 (hg19) VCF-style: chr19-11144473-G-C.
Other names: c.3805G>C, p.Ala1269Pro (NM_001128844.3, NM_001128849.3, NM_001387283.1); c.3774+280G>C (NM_001128847.4, NM_001411150.1, NM_001374457.1 and 3 more transcripts); short protein forms A1269P.
Identifiers: ClinVar variation 4549558 (VCV004549558.1).

ClinVar aggregate classification (germline): Uncertain significance (1 of 4 stars; one submission).

Conditions:
Hereditary cancer-predisposing syndrome. Also called: Tumor predisposition; Hereditary Cancer Syndrome; Hereditary neoplastic syndrome; Neoplastic Syndromes, Hereditary. Identifiers: Orphanet 140162, MedGen C0027672, MeSH D009386, MONDO:0015356.

Submission:

Ambry Genetics
Classification: Uncertain significance for Hereditary cancer-predisposing syndrome. Last evaluated: 2025-10-28. Review status: criteria provided, single submitter. Criteria: Ambry Variant Classification Scheme 2023. Collection method: clinical testing. Allele origin: germline.
Comment: The p.A1269P variant (also known as c.3805G>C), located in coding exon 26 of the SMARCA4 gene, results from a G to C substitution at nucleotide position 3805. The alanine at codon 1269 is replaced by proline, an amino acid with highly similar properties. This amino acid position is conserved. In addition, the in silico prediction for this alteration is inconclusive. Based on the available evidence, the clinical significance of this variant remains unclear.